The following is an entry in ClinVar:

ClinVar aggregate classification (germline): Benign/Likely benign. Review status: criteria provided, multiple submitters, no conflicts (2 of 4 stars). 3 submissions from 3 submitters: Benign (1); Likely benign (2). Last evaluated 2025-12-16.

Conditions:
Charcot-Marie-Tooth disease dominant intermediate E. Also called: CHARCOT-MARIE-TOOTH NEUROPATHY WITH FOCAL SEGMENTAL GLOMERULONEPHRITIS. Identifiers: Orphanet 93114, MedGen C4302667, MONDO:0013758, OMIM 614455.
Focal segmental glomerulosclerosis 5 (FSGS5). Identifiers: Orphanet 656, MedGen C2750475, MONDO:0013191, OMIM 613237.
INF2-related disorder. Also called: INF2-related condition.

Allele frequency attached by ClinVar (database versions not stated): gnomAD exomes 0.00062; ExAC 0.00439.

Submissions (3):

PreventionGenetics, part of Exact Sciences
Classification: Likely benign for INF2-related condition. Last evaluated: 2025-12-16. Review status: criteria provided, single submitter. Criteria: ACMG Guidelines, 2015. Collection method: clinical testing. Allele origin: germline.
Comment: This variant is classified as likely benign based on ACMG/AMP sequence variant interpretation guidelines (Richards et al. 2015 PMID: 25741868, with internal and published modifications).

Labcorp Genetics (formerly Invitae), Labcorp
Classification: Likely benign for Charcot-Marie-Tooth disease dominant intermediate E; Focal segmental glomerulosclerosis 5. Last evaluated: 2025-11-25. Review status: criteria provided, single submitter. Criteria: Invitae Variant Classification Sherloc (09022015). Collection method: clinical testing. Allele origin: germline.

Illumina Laboratory Services, Illumina
Classification: Benign for Focal segmental glomerulosclerosis 5. Last evaluated: 2018-01-13. Review status: criteria provided, single submitter. Criteria: ICSL Variant Classification Criteria 13 December 2019. Collection method: clinical testing. Allele origin: germline.
Comment: This variant was observed in the ICSL laboratory as part of a predisposition screen in an ostensibly healthy population. It had not been previously curated by ICSL or reported in the Human Gene Mutation Database (HGMD: prior to June 1st, 2018), and was therefore a candidate for classification through an automated scoring system. Utilizing variant allele frequency, disease prevalence and penetrance estimates, and inheritance mode, an automated score was calculated to assess if this variant is too frequent to cause the disease. Based on the score and internal cut-off values, a variant classified as benign is not then subjected to further curation. The score for this variant resulted in a classification of benign for this disease.

NM_022489.4(INF2):c.1329A>C (p.Pro443=)

Gene: INF2 (inverted formin 2; plus strand). Cytogenetic location: 14q32.33.
Variant type: single nucleotide variant.
Coding change: c.1329A>C on transcript NM_022489.4 (MANE Select); coding-DNA position 1329, A replaced by C.
Protein change: p.Pro443=; no amino-acid change (proline 443 retained).
Molecular consequence: synonymous variant.
Genome position (GRCh38, 1-based): chr14:104,707,596, A>C. VCF-style: chr14-104707596-A-C. GRCh37 (hg19) VCF-style: chr14-105173933-A-C.
Other names: c.1329A>C, p.Pro443= (NM_001031714.4).
Identifiers: ClinVar variation 882650 (VCV000882650.13), dbSNP rs769756576, ClinGen allele CA7372559.